The following is an entry in ClinVar:

ClinVar aggregate classification (germline): Conflicting classifications of pathogenicity. Review status: criteria provided, conflicting classifications (1 of 4 stars). 2 submissions from 2 submitters: Uncertain significance (1); Likely benign (1). Last evaluated 2024-05-28.

Conditions:
Hereditary cancer-predisposing syndrome. Also called: Neoplastic Syndromes, Hereditary; Hereditary Cancer Syndrome; Hereditary neoplastic syndrome; Tumor predisposition. Identifiers: Orphanet 140162, MedGen C0027672, MeSH D009386, MONDO:0015356.
Breast-ovarian cancer, familial, susceptibility to, 2 (BROVCA2). Also called: BRCA2 Hereditary Breast and Ovarian Cancer. Identifiers: Orphanet 145, MedGen C2675520, MONDO:0012933, OMIM 612555. Disease mechanism: loss of function.

Allele frequency attached by ClinVar (database versions not stated): gnomAD 0.00001.
gnomAD v4.1: 1 of 1,600,616 alleles (0.000062%); highest among the groups gnomAD compares: Admixed American, 0.0017%; no homozygotes.

Submissions (2):

Ambry Genetics
Classification: Likely benign for Hereditary cancer-predisposing syndrome. Last evaluated: 2024-05-28. Review status: criteria provided, single submitter. Criteria: Ambry Variant Classification Scheme 2023. Collection method: clinical testing. Allele origin: germline.

All of Us Research Program, National Institutes of Health
Classification: Uncertain significance for Breast-ovarian cancer, familial, susceptibility to, 2. Last evaluated: 2023-09-17. Review status: criteria provided, single submitter. Criteria: ACMG Guidelines, 2015. Collection method: clinical testing. Allele origin: germline. Inheritance: Autosomal dominant inheritance. Observed: 1 variant allele, 1 heterozygote.
Comment: This missense variant replaces histidine with tyrosine at codon 264 of the BRCA2 protein. Computational prediction suggests that this variant may not impact protein structure and function (internally defined REVEL score threshold <= 0.5, PMID: 27666373). To our knowledge, functional studies have not been reported for this variant. This variant has not been reported in individuals affected with BRCA2-related disorders in the literature. This variant has been identified in 1/31142 chromosomes in the general population by the Genome Aggregation Database (gnomAD). The available evidence is insufficient to determine the role of this variant in disease conclusively. Therefore, this variant is classified as a Variant of Uncertain Significance.

This study involves interpretation of variants in research participants for the purpose of population health screening. Participant phenotype was not available at the time of variant classification. Additional details can be found in publication PMID: 35346344, PMCID: PMC8962531

NM_000059.4(BRCA2):c.790C>T (p.His264Tyr)

Gene: BRCA2 (BRCA2 DNA repair associated; plus strand). Cytogenetic location: 13q13.1.
Variant type: single nucleotide variant.
Coding change: c.790C>T on transcript NM_000059.4 (MANE Select); coding-DNA position 790, C replaced by T.
Protein change: p.His264Tyr; replaces histidine 264 with tyrosine.
Molecular consequence: missense variant.
Genome position (GRCh38, 1-based): chr13:32,331,027, C>T. VCF-style: chr13-32331027-C-T. GRCh37 (hg19) VCF-style: chr13-32905164-C-T.
Other names: short protein forms H264Y.
Identifiers: ClinVar variation 827325 (VCV000827325.6), dbSNP rs1450949342, ClinGen allele CA387760257.